The following is an entry in ClinVar:

ClinVar aggregate classification (germline): Uncertain significance (1 of 4 stars; one submission).

Conditions:
Autosomal dominant Parkinson disease 8. Also called: LRRK2-Related Parkinson Disease; Parkinson disease 8; Parkinson disease 8, susceptibility to. Identifiers: Orphanet 411602, MedGen C1846862, MONDO:0011764, OMIM 607060.

Allele frequency attached by ClinVar (database versions not stated): gnomAD exomes below 0.00001; ExAC 0.00001.
gnomAD v4.1: 3 of 1,613,866 alleles (0.00019%); highest among the groups gnomAD compares: East Asian, 0.0045%; no homozygotes.

Submission:

Labcorp Genetics (formerly Invitae), Labcorp
Classification: Uncertain significance for Autosomal dominant Parkinson disease 8. Last evaluated: 2019-06-02. Review status: criteria provided, single submitter. Criteria: Invitae Variant Classification Sherloc (09022015). Collection method: clinical testing. Allele origin: germline.
Comment: This sequence change replaces isoleucine with methionine at codon 2029 of the LRRK2 protein (p.Ile2029Met). The isoleucine residue is moderately conserved and there is a small physicochemical difference between isoleucine and methionine. This variant is present in population databases (rs761177119, ExAC 0.01%). This variant has not been reported in the literature in individuals with LRRK2-related conditions. Algorithms developed to predict the effect of missense changes on protein structure and function are either unavailable or do not agree on the potential impact of this missense change (SIFT: "Tolerated"; PolyPhen-2: "Probably Damaging"; Align-GVGD: "Class C0"). In summary, the available evidence is currently insufficient to determine the role of this variant in disease. Therefore, it has been classified as a Variant of Uncertain Significance.

NM_198578.4(LRRK2):c.6087A>G (p.Ile2029Met)

Gene: LRRK2 (leucine rich repeat kinase 2; plus strand). Cytogenetic location: 12q12.
Variant type: single nucleotide variant.
Coding change: c.6087A>G on transcript NM_198578.4 (MANE Select); coding-DNA position 6087, A replaced by G.
Protein change: p.Ile2029Met; replaces isoleucine 2029 with methionine.
Molecular consequence: missense variant.
Genome position (GRCh38, 1-based): chr12:40,340,432, A>G. VCF-style: chr12-40340432-A-G. GRCh37 (hg19) VCF-style: chr12-40734234-A-G.
Other names: short protein forms I2029M.
Identifiers: ClinVar variation 935665 (VCV000935665.9), dbSNP rs761177119, ClinGen allele CA6514599.
Genomic context (GRCh38, chr12:40,340,432, plus strand): 5'-TGCCATCATTGCAAAGATTGCTGACTACGGCATTGCTCAGTACTGCTGTAGAATGGGGAT[A>G]AAAACATCAGAGGGCACACCAGGTAGGTGATCAGGTCTGTCTCATAATTCTATCTTCAGG-3'
Protein context (NP_940980.4, residues 2019-2039): GIAQYCCRMG[Ile2029Met]KTSEGTPGFR